The following is an entry in ClinVar:

ClinVar aggregate classification (germline): Uncertain significance (1 of 4 stars; one submission).

Submission:

Labcorp Genetics (formerly Invitae), Labcorp
Classification: Uncertain significance. Last evaluated: 2020-08-25. Review status: criteria provided, single submitter. Criteria: Invitae Variant Classification Sherloc (09022015). Collection method: clinical testing. Allele origin: germline.
Comment: Algorithms developed to predict the effect of missense changes on protein structure and function are either unavailable or do not agree on the potential impact of this missense change (SIFT: "Deleterious"; PolyPhen-2: "Benign"; Align-GVGD: "Class C0"). In summary, the available evidence is currently insufficient to determine the role of this variant in disease. Therefore, it has been classified as a Variant of Uncertain Significance. This variant is not present in population databases (ExAC no frequency). This variant has not been reported in the literature in individuals with CTNNA1-related conditions. This sequence change replaces asparagine with aspartic acid at codon 49 of the CTNNA1 protein (p.Asn49Asp). The asparagine residue is highly conserved and there is a small physicochemical difference between asparagine and aspartic acid.

NM_001903.5(CTNNA1):c.145A>G (p.Asn49Asp)

Gene: CTNNA1 (catenin alpha 1; plus strand). Cytogenetic location: 5q31.2.
Variant type: single nucleotide variant.
Coding change: c.145A>G on transcript NM_001903.5 (MANE Select); coding-DNA position 145, A replaced by G.
Protein change: p.Asn49Asp; replaces asparagine 49 with aspartic acid.
Molecular consequence: missense variant. On other transcripts: 5 prime UTR variant (1), intron variant (1).
Genome position (GRCh38, 1-based): chr5:138,783,216, A>G. VCF-style: chr5-138783216-A-G. GRCh37 (hg19) VCF-style: chr5-138118905-A-G.
Other names: c.145A>G, p.Asn49Asp (NM_001290307.3, NM_001323982.2, NM_001323983.1 and 3 more transcripts); c.-62A>G (NM_001290310.3); c.-9+1187A>G (NM_001290309.3); short protein forms N49D.
Identifiers: ClinVar variation 1024470 (VCV001024470.8), dbSNP rs1755327366, ClinGen allele CA361477341.